The following is an entry in ClinVar:

NM_016507.4(CDK12):c.4073C>G (p.Ser1358Cys)

Gene: CDK12 (cyclin dependent kinase 12; plus strand). Cytogenetic location: 17q12.
Variant type: single nucleotide variant.
Coding change: c.4073C>G on transcript NM_016507.4 (MANE Select); coding-DNA position 4073, C replaced by G.
Protein change: p.Ser1358Cys; replaces serine 1358 with cysteine.
Molecular consequence: missense variant.
Genome position (GRCh38, 1-based): chr17:39,530,916, C>G. VCF-style: chr17-39530916-C-G. GRCh37 (hg19) VCF-style: chr17-37687169-C-G.
Other names: c.4046C>G, p.Ser1349Cys (NM_015083.4); short protein forms S1358C, S1349C.
Identifiers: ClinVar variation 3265422 (VCV003265422.2).
Genomic context (GRCh38, chr17:39,530,916, plus strand): 5'-ATGGAAACACTGATGGGCCTGAAACAGGGTTCAGTGCCATTGACACTGATGAACGAAACT[C>G]TGGTCCAGCCTTGACAGAATCCTTGGTCCAGACCCTGGTGAAGAACAGGACCTTCTCAGG-3'
Protein context (NP_057591.2, residues 1348-1368): FSAIDTDERN[Ser1358Cys]GPALTESLVQ

ClinVar aggregate classification (germline): Uncertain significance (1 of 4 stars; one submission).

gnomAD v4.1: 31 of 1,614,220 alleles (0.0019%); highest among the groups gnomAD compares: Non-Finnish European, 0.0025%; no homozygotes.

Submission:

Ambry Genetics
Classification: Uncertain significance. Last evaluated: 2025-02-08. Review status: criteria provided, single submitter. Criteria: Ambry Variant Classification Scheme 2023. Collection method: clinical testing. Allele origin: germline.
Comment: The p.S1358C variant (also known as c.4073C>G), located in coding exon 14 of the CDK12 gene, results from a C to G substitution at nucleotide position 4073. The serine at codon 1358 is replaced by cysteine, an amino acid with dissimilar properties. This amino acid position is conserved. In addition, the in silico prediction for this alteration is inconclusive. Based on the available evidence, the clinical significance of this variant remains unclear.